The following is an entry in ClinVar:

NM_003200.5(TCF3):c.1782G>C (p.Gln594His)

Gene: TCF3 (transcription factor 3; minus strand). Cytogenetic location: 19p13.3.
Variant type: single nucleotide variant.
Coding change: c.1782G>C on transcript NM_003200.5 (MANE Select); coding-DNA position 1782, G replaced by C.
Protein change: p.Gln594His; replaces glutamine 594 with histidine.
Molecular consequence: missense variant. On other transcripts: intron variant (2).
Genome position (GRCh38, 1-based): chr19:1,615,325, C>G on the plus strand (G>C on the coding strand, the complement: TCF3 is on the minus strand). VCF-style: chr19-1615325-C-G. GRCh37 (hg19) VCF-style: chr19-1615324-C-G.
Other names: c.1779G>C, p.Gln593His (NM_001351778.2); c.1586+361G>C (NM_001136139.4, NM_001351779.2); short protein forms Q593H, Q594H.
Identifiers: ClinVar variation 2855662 (VCV002855662.3), dbSNP rs773356089, ClinGen allele CA403050172.

ClinVar aggregate classification (germline): Uncertain significance (1 of 4 stars; one submission).

Submission:

Labcorp Genetics (formerly Invitae), Labcorp
Classification: Uncertain significance. Last evaluated: 2023-04-12. Review status: criteria provided, single submitter. Criteria: Invitae Variant Classification Sherloc (09022015). Collection method: clinical testing. Allele origin: germline.
Comment: This sequence change replaces glutamine, which is neutral and polar, with histidine, which is basic and polar, at codon 594 of the TCF3 protein (p.Gln594His). This variant is not present in population databases (gnomAD no frequency). This variant has not been reported in the literature in individuals affected with TCF3-related conditions. Advanced modeling of protein sequence and biophysical properties (such as structural, functional, and spatial information, amino acid conservation, physicochemical variation, residue mobility, and thermodynamic stability) has been performed at Invitae for this missense variant, however the output from this modeling did not meet the statistical confidence thresholds required to predict the impact of this variant on TCF3 protein function. In summary, the available evidence is currently insufficient to determine the role of this variant in disease. Therefore, it has been classified as a Variant of Uncertain Significance.